The following is an entry in ClinVar:

ClinVar aggregate classification (germline): Uncertain significance (1 of 4 stars; one submission).

Conditions:
Cardiovascular phenotype. Identifiers: MedGen CN230736.

Allele frequency attached by ClinVar (database versions not stated): TOPMed below 0.00001; gnomAD 0.00001; gnomAD exomes 0.00002; ExAC 0.00016.
gnomAD v4.1: 24 of 1,544,820 alleles (0.0016%); highest among the groups gnomAD compares: South Asian, 0.012%; no homozygotes.

Submission:

Ambry Genetics
Classification: Uncertain significance for Cardiovascular phenotype. Last evaluated: 2022-11-27. Review status: criteria provided, single submitter. Criteria: Ambry Variant Classification Scheme 2023. Collection method: clinical testing. Allele origin: germline.
Comment: The p.L756F variant (also known as c.2266C>T), located in coding exon 1 of the ZNF469 gene, results from a C to T substitution at nucleotide position 2266. The leucine at codon 756 is replaced by phenylalanine, an amino acid with highly similar properties. This amino acid position is conserved. In addition, this alteration is predicted to be tolerated by in silico analysis. Since supporting evidence is limited at this time, the clinical significance of this alteration remains unclear.

NM_001367624.2(ZNF469):c.2266C>T (p.Leu756Phe)

Gene: ZNF469 (zinc finger protein 469; plus strand). Cytogenetic location: 16q24.2.
Variant type: single nucleotide variant.
Coding change: c.2266C>T on transcript NM_001367624.2 (MANE Select); coding-DNA position 2266, C replaced by T.
Protein change: p.Leu756Phe; replaces leucine 756 with phenylalanine.
Molecular consequence: missense variant.
Genome position (GRCh38, 1-based): chr16:88,429,736, C>T. VCF-style: chr16-88429736-C-T. GRCh37 (hg19) VCF-style: chr16-88496144-C-T.
Other names: NM_001127464.1:c.2266C>T; short protein forms L756F.
Identifiers: ClinVar variation 2449448 (VCV002449448.2), dbSNP rs769351837, ClinGen allele CA8224755.